The following is an entry in ClinVar:

NM_002834.5(PTPN11):c.484G>A (p.Asp162Asn)

Gene: PTPN11 (protein tyrosine phosphatase non-receptor type 11; plus strand). Cytogenetic location: 12q24.13.
Variant type: single nucleotide variant.
Coding change: c.484G>A on transcript NM_002834.5 (MANE Select); coding-DNA position 484, G replaced by A.
Protein change: p.Asp162Asn; replaces aspartic acid 162 with asparagine.
Molecular consequence: missense variant.
Genome position (GRCh38, 1-based): chr12:112,453,346, G>A. VCF-style: chr12-112453346-G-A. GRCh37 (hg19) VCF-style: chr12-112891150-G-A.
Other names: c.484G>A, p.Asp162Asn (NM_001330437.2, NM_080601.3); c.481G>A, p.Asp161Asn (NM_001374625.1); short protein forms D161N, D162N.
Identifiers: ClinVar variation 3940415 (VCV003940415.1).

ClinVar aggregate classification (germline): Uncertain significance (1 of 4 stars; one submission).

Conditions:
Cardiovascular phenotype. Identifiers: MedGen CN230736.

Submission:

Ambry Genetics
Classification: Uncertain significance for Cardiovascular phenotype. Last evaluated: 2025-05-09. Review status: criteria provided, single submitter. Criteria: Ambry Variant Classification Scheme 2023. Collection method: clinical testing. Allele origin: germline.
Comment: The p.D162N variant (also known as c.484G>A), located in coding exon 4 of the PTPN11 gene, results from a G to A substitution at nucleotide position 484. The aspartic acid at codon 162 is replaced by asparagine, an amino acid with highly similar properties. This amino acid position is conserved. In addition, this alteration is predicted to be tolerated by in silico analysis. Based on the available evidence, the clinical significance of this variant remains unclear.